The following is an entry in ClinVar:

NM_016247.4(IMPG2):c.*3049G>A

Gene: IMPG2 (interphotoreceptor matrix proteoglycan 2; minus strand). Cytogenetic location: 3q12.3.
Variant type: single nucleotide variant.
Coding change: c.*3049G>A on transcript NM_016247.4 (MANE Select); 3049 bases downstream of the stop codon, G replaced by A.
Molecular consequence: 3 prime UTR variant.
Genome position (GRCh38, 1-based): chr3:101,223,920, C>T on the plus strand (G>A on the coding strand, the complement: IMPG2 is on the minus strand). VCF-style: chr3-101223920-C-T. GRCh37 (hg19) VCF-style: chr3-100942764-C-T.
Identifiers: ClinVar variation 342285 (VCV000342285.5), dbSNP rs112062476, ClinGen allele CA10616600.

ClinVar aggregate classification (germline): Likely benign (1 of 4 stars; one submission).

Conditions:
Retinitis pigmentosa (RP). Identifiers: Orphanet 791, MedGen C0035334, MeSH D012174, MONDO:0019200, OMIM 268000. Inheritance: Autosomal dominant, autosomal recessive and X linked inheritance.

Allele frequency attached by ClinVar (database versions not stated): gnomAD 0.01100 and 0.01164; TOPMed 0.01282; 1000 Genomes Project 0.01398; 1000 Genomes Project 30x 0.01515.

Submission:

Illumina Laboratory Services, Illumina
Classification: Likely benign for Retinitis pigmentosa. Last evaluated: 2018-01-13. Review status: criteria provided, single submitter. Criteria: ICSL Variant Classification Criteria 13 December 2019. Collection method: clinical testing. Allele origin: germline.
Comment: This variant was observed in the ICSL laboratory as part of a predisposition screen in an ostensibly healthy population. It had not been previously curated by ICSL or reported in the Human Gene Mutation Database (HGMD: prior to June 1st, 2018), and was therefore a candidate for classification through an automated scoring system. Utilizing variant allele frequency, disease prevalence and penetrance estimates, and inheritance mode, an automated score was calculated to assess if this variant is too frequent to cause the disease. Based on the score and internal cut-off values, a variant classified as likely benign is not then subjected to further curation. The score for this variant resulted in a classification of likely benign for this disease.